The following is an entry in ClinVar:

NM_033026.6(PCLO):c.8698C>T (p.Leu2900Phe)

Gene: PCLO (piccolo presynaptic cytomatrix protein; minus strand). Cytogenetic location: 7q21.11.
Variant type: single nucleotide variant.
Coding change: c.8698C>T on transcript NM_033026.6 (MANE Select); coding-DNA position 8698, C replaced by T.
Protein change: p.Leu2900Phe; replaces leucine 2900 with phenylalanine.
Molecular consequence: missense variant.
Genome position (GRCh38, 1-based): chr7:82,952,255, G>A on the plus strand (C>T on the coding strand, the complement: PCLO is on the minus strand). VCF-style: chr7-82952255-G-A. GRCh37 (hg19) VCF-style: chr7-82581571-G-A.
Other names: c.8698C>T, p.Leu2900Phe (NM_014510.3); c.8698C>T (NM_033026.5); short protein forms L2900F.
Identifiers: ClinVar variation 1481455 (VCV001481455.8), dbSNP rs377361997, ClinGen allele CA4320082.

ClinVar aggregate classification (germline): Uncertain significance. Review status: criteria provided, multiple submitters, no conflicts (2 of 4 stars). 2 submissions from 2 submitters: Uncertain significance (2). Last evaluated 2025-12-11.

Conditions:
Inborn genetic diseases. Identifiers: MedGen C0950123, MeSH D030342.

Allele frequency attached by ClinVar (database versions not stated): gnomAD 0.00011 and 0.00012; TOPMed 0.00011; ESP Exome Variant Server 0.00024; ExAC 0.00008; gnomAD exomes 0.00015 and 0.00006.
gnomAD v4.1: 233 of 1,613,742 alleles (0.014%); highest among the groups gnomAD compares: Non-Finnish European, 0.018%; no homozygotes.

Submissions (2):

Ambry Genetics
Classification: Uncertain significance for Inborn genetic diseases. Last evaluated: 2025-12-11. Review status: criteria provided, single submitter. Criteria: Ambry Variant Classification Scheme 2023. Collection method: clinical testing. Allele origin: germline.

Labcorp Genetics (formerly Invitae), Labcorp
Classification: Uncertain significance. Last evaluated: 2024-10-28. Review status: criteria provided, single submitter. Criteria: Invitae Variant Classification Sherloc (09022015). Collection method: clinical testing. Allele origin: germline.
Comment: This sequence change replaces leucine, which is neutral and non-polar, with phenylalanine, which is neutral and non-polar, at codon 2900 of the PCLO protein (p.Leu2900Phe). This variant is present in population databases (rs377361997, gnomAD 0.01%). This variant has not been reported in the literature in individuals affected with PCLO-related conditions. ClinVar contains an entry for this variant (Variation ID: 1481455). Experimental studies and prediction algorithms are not available or were not evaluated, and the functional significance of this variant is currently unknown. In summary, the available evidence is currently insufficient to determine the role of this variant in disease. Therefore, it has been classified as a Variant of Uncertain Significance.